The following is an entry in ClinVar:

NM_024741.3(ZNF408):c.2004_2007dup (p.Ala670fs)

Gene: ZNF408 (zinc finger protein 408; plus strand). Cytogenetic location: 11p11.2.
Variant type: Duplication.
Coding change: c.2004_2007dup on transcript NM_024741.3 (MANE Select); coding-DNA positions 2004 to 2007, 4 bases duplicated (CCCC; older notation c.2004_2007dupCCCC).
Protein change: p.Ala670fs; shifts the reading frame from alanine 670.
Molecular consequence: frameshift variant.
Genome position (GRCh38, 1-based): chr11:46,705,704-46,705,707, CCCC duplicated; duplicating any 4 consecutive bases within chr11:46,705,703-46,705,707 gives the same sequence; the c. name uses the placement nearest the transcript's 3' end. VCF-style (leftmost placement, unchanged base first): chr11-46705702-T-TCCCC. GRCh37 (hg19) VCF-style: chr11-46727252-T-TCCCC.
Other names: c.1980_1983dup, p.Ala662fs (NM_001184751.2); short protein forms A670fs, A662fs.
Identifiers: ClinVar variation 2017021 (VCV002017021.4), dbSNP rs1023159660, ClinGen allele CA221634500.

ClinVar aggregate classification (germline): Uncertain significance (1 of 4 stars; one submission).

Submission:

Labcorp Genetics (formerly Invitae), Labcorp
Classification: Uncertain significance. Last evaluated: 2022-07-14. Review status: criteria provided, single submitter. Criteria: Invitae Variant Classification Sherloc (09022015). Collection method: clinical testing. Allele origin: germline.
Comment: Experimental studies and prediction algorithms are not available or were not evaluated, and the functional significance of this variant is currently unknown. This sequence change creates a premature translational stop signal (p.Ala670Profs*7) in the ZNF408 gene. While this is not anticipated to result in nonsense mediated decay, it is expected to disrupt the last 51 amino acid(s) of the ZNF408 protein. This variant is present in population databases (no rsID available, gnomAD 0.01%). This variant has not been reported in the literature in individuals affected with ZNF408-related conditions. In summary, the available evidence is currently insufficient to determine the role of this variant in disease. Therefore, it has been classified as a Variant of Uncertain Significance.